The following is an entry in ClinVar:

NM_018297.4(NGLY1):c.916T>C (p.Cys306Arg)

Gene: NGLY1 (N-glycanase 1; minus strand). Cytogenetic location: 3p24.2.
Variant type: single nucleotide variant.
Coding change: c.916T>C on transcript NM_018297.4 (MANE Select); coding-DNA position 916, T replaced by C.
Protein change: p.Cys306Arg; replaces cysteine 306 with arginine.
Molecular consequence: missense variant.
Genome position (GRCh38, 1-based): chr3:25,737,421, A>G on the plus strand (T>C on the coding strand, the complement: NGLY1 is on the minus strand). VCF-style: chr3-25737421-A-G. GRCh37 (hg19) VCF-style: chr3-25778912-A-G.
Other names: c.916T>C, p.Cys306Arg (NM_001145293.2, NM_001145295.2); c.790T>C, p.Cys264Arg (NM_001145294.2); short protein forms C306R, C264R.
Identifiers: ClinVar variation 1412075 (VCV001412075.3), dbSNP rs376459511, ClinGen allele CA71655747.

ClinVar aggregate classification (germline): Uncertain significance (1 of 4 stars; one submission).

Conditions:
Congenital disorder of deglycosylation (CDDG). Identifiers: MedGen C3808991, MONDO:0031376.

Allele frequency attached by ClinVar (database versions not stated): gnomAD exomes below 0.00001; gnomAD 0.00001; TOPMed 0.00002; ESP Exome Variant Server 0.00008.
gnomAD v4.1: 4 of 1,613,152 alleles (0.00025%); highest among the groups gnomAD compares: African/African-American, 0.0053%; no homozygotes.

Submission:

Labcorp Genetics (formerly Invitae), Labcorp
Classification: Uncertain significance for Congenital disorder of deglycosylation. Last evaluated: 2021-10-28. Review status: criteria provided, single submitter. Criteria: Invitae Variant Classification Sherloc (09022015). Collection method: clinical testing. Allele origin: germline.
Comment: This sequence change replaces cysteine, which is neutral and slightly polar, with arginine, which is basic and polar, at codon 306 of the NGLY1 protein (p.Cys306Arg). This variant is not present in population databases (gnomAD no frequency). This variant has not been reported in the literature in individuals affected with NGLY1-related conditions. Algorithms developed to predict the effect of missense changes on protein structure and function output the following: SIFT: "Tolerated"; PolyPhen-2: "Benign"; Align-GVGD: "Class C0". The arginine amino acid residue is found in multiple mammalian species, which suggests that this missense change does not adversely affect protein function. In summary, the available evidence is currently insufficient to determine the role of this variant in disease. Therefore, it has been classified as a Variant of Uncertain Significance.